The following is an entry in ClinVar:

NM_005751.5(AKAP9):c.5610T>C (p.His1870=)

Gene: AKAP9 (A-kinase anchoring protein 9; plus strand). Cytogenetic location: 7q21.2.
Variant type: single nucleotide variant.
Coding change: c.5610T>C on transcript NM_005751.5 (MANE Select); coding-DNA position 5610, T replaced by C.
Protein change: p.His1870=; no amino-acid change (histidine 1870 retained).
Molecular consequence: synonymous variant.
Genome position (GRCh38, 1-based): chr7:92,061,268, T>C. VCF-style: chr7-92061268-T-C. GRCh37 (hg19) VCF-style: chr7-91690582-T-C.
Other names: c.255T>C, p.His85= (NM_001379277.1); c.5610T>C, p.His1870= (NM_147185.3).
Identifiers: ClinVar variation 240255 (VCV000240255.30), dbSNP rs150332727, ClinGen allele CA4336875.

ClinVar aggregate classification (germline): Benign/Likely benign. Review status: criteria provided, multiple submitters, no conflicts (2 of 4 stars). 6 submissions from 6 submitters: Benign (1); Likely benign (3). 2 of the submissions do not count toward it. Last evaluated 2026-02-01.

Conditions:
Cardiovascular phenotype. Identifiers: MedGen CN230736.
Long QT syndrome (LQTS). Identifiers: MedGen C0023976, MeSH D008133, MONDO:0002442. Disease mechanism: loss of function. Inheritance: Various modes of inheritance.

Allele frequency attached by ClinVar (database versions not stated): gnomAD 0.00005 and 0.00006; gnomAD exomes 0.00007 and 0.00012; ESP Exome Variant Server 0.00008; TOPMed 0.00009; ExAC 0.00010.

Submissions (6):

CeGaT Center for Human Genetics Tuebingen
Classification: Likely benign. Last evaluated: 2026-02-01. Review status: criteria provided, single submitter. Criteria: CeGaT Center For Human Genetics Tuebingen Variant Classification Criteria Version 2. Collection method: clinical testing. Allele origin: germline. Affected: yes. Observed: 2 variant alleles.
Comment: AKAP9: BP4, BP7

Labcorp Genetics (formerly Invitae), Labcorp
Classification: Likely benign for Long QT syndrome. Last evaluated: 2025-08-17. Review status: criteria provided, single submitter. Criteria: Invitae Variant Classification Sherloc (09022015). Collection method: clinical testing. Allele origin: germline.

Ambry Genetics
Classification: Likely benign for Cardiovascular phenotype. Last evaluated: 2017-07-18. Review status: criteria provided, single submitter. Criteria: Ambry Variant Classification Scheme 2023. Collection method: clinical testing. Allele origin: germline.

GeneDx
Classification: Benign. Last evaluated: 2015-03-03. Review status: criteria provided, single submitter. Criteria: GeneDx Variant Classification Process June 2021. Collection method: clinical testing. Allele origin: germline. Affected: yes.

Clinical Genetics, Academic Medical Center
Classification: Benign. Review status: no assertion criteria provided. Collection method: clinical testing. Allele origin: germline. Affected: yes. Study: VKGL Data-share Consensus. Not counted in ClinVar's aggregate classification.

Joint Genome Diagnostic Labs from Nijmegen and Maastricht, Radboudumc and MUMC+
Classification: Likely benign. Review status: no assertion criteria provided. Collection method: clinical testing. Allele origin: germline. Affected: yes. Study: VKGL Data-share Consensus. Not counted in ClinVar's aggregate classification.